The following is an entry in ClinVar:

ClinVar aggregate classification (germline): Uncertain significance. Review status: criteria provided, multiple submitters, no conflicts (2 of 4 stars). 2 submissions from 2 submitters: Uncertain significance (2). Last evaluated 2025-05-23.

Conditions:
Hereditary cancer-predisposing syndrome. Also called: Hereditary Cancer Syndrome; Tumor predisposition; Neoplastic Syndromes, Hereditary; Hereditary neoplastic syndrome. Identifiers: Orphanet 140162, MedGen C0027672, MeSH D009386, MONDO:0015356.
EGFR-related lung cancer (EGFR). Identifiers: MedGen CN130014.

Submissions (2):

Ambry Genetics
Classification: Uncertain significance for Hereditary cancer-predisposing syndrome. Last evaluated: 2025-05-23. Review status: criteria provided, single submitter. Criteria: Ambry Variant Classification Scheme 2023. Collection method: clinical testing. Allele origin: germline.
Comment: The p.S768N variant (also known as c.2303G>A), located in coding exon 20 of the EGFR gene, results from a G to A substitution at nucleotide position 2303. The serine at codon 768 is replaced by asparagine, an amino acid with highly similar properties. This amino acid position is highly conserved in available vertebrate species. In addition, the in silico prediction for this alteration is inconclusive. Based on the available evidence, the clinical significance of this variant remains unclear.

Labcorp Genetics (formerly Invitae), Labcorp
Classification: Uncertain significance for EGFR-related lung cancer. Last evaluated: 2022-03-26. Review status: criteria provided, single submitter. Criteria: Invitae Variant Classification Sherloc (09022015). Collection method: clinical testing. Allele origin: germline.
Comment: This variant has not been reported in the literature in individuals affected with EGFR-related conditions. ClinVar contains an entry for this variant (Variation ID: 1015382). Algorithms developed to predict the effect of missense changes on protein structure and function are either unavailable or do not agree on the potential impact of this missense change (SIFT: "Tolerated"; PolyPhen-2: "Probably Damaging"; Align-GVGD: "Class C0"). In summary, the available evidence is currently insufficient to determine the role of this variant in disease. Therefore, it has been classified as a Variant of Uncertain Significance. This variant is not present in population databases (gnomAD no frequency). This sequence change replaces serine, which is neutral and polar, with asparagine, which is neutral and polar, at codon 768 of the EGFR protein (p.Ser768Asn).

NM_005228.5(EGFR):c.2303G>A (p.Ser768Asn)

Genes: EGFR-AS1 (EGFR antisense RNA 1; minus strand), EGFR (epidermal growth factor receptor; plus strand). Cytogenetic location: 7p11.2.
Variant type: single nucleotide variant.
Coding change: c.2303G>A on transcript NM_005228.5 (MANE Select); coding-DNA position 2303, G replaced by A.
Protein change: p.Ser768Asn; replaces serine 768 with asparagine.
Molecular consequence: missense variant. On other transcripts: non-coding transcript variant (1).
Genome position (GRCh38, 1-based): chr7:55,181,312, G>A. VCF-style: chr7-55181312-G-A. GRCh37 (hg19) VCF-style: chr7-55249005-G-A.
Other names: c.2168G>A, p.Ser723Asn (NM_001346897.2, NM_001346899.2); c.2303G>A, p.Ser768Asn (NM_001346898.2); c.2144G>A, p.Ser715Asn (NM_001346900.2); c.1502G>A, p.Ser501Asn (NM_001346941.2); c.2303G>A (NM_005228.3); short protein forms S501N, S715N, S723N, S768N.
Identifiers: ClinVar variation 1015382 (VCV001015382.9), dbSNP rs121913465, ClinGen allele CA367578594.
Genomic context (GRCh38, chr7:55,181,312, plus strand): 5'-ACCATGCGAAGCCACACTGACGTGCCTCTCCCTCCCTCCAGGAAGCCTACGTGATGGCCA[G>A]CGTGGACAACCCCCACGTGTGCCGCCTGCTGGGCATCTGCCTCACCTCCACCGTGCAGCT-3'
Protein context (NP_005219.2, residues 758-778): EILDEAYVMA[Ser768Asn]VDNPHVCRLL